The following is an entry in ClinVar:

NM_015426.5(POC1A):c.616G>A (p.Gly206Ser)

Gene: POC1A (POC1 centriolar protein A; minus strand). Cytogenetic location: 3p21.2.
Variant type: single nucleotide variant.
Coding change: c.616G>A on transcript NM_015426.5 (MANE Select); coding-DNA position 616, G replaced by A.
Protein change: p.Gly206Ser; replaces glycine 206 with serine.
Molecular consequence: missense variant.
Genome position (GRCh38, 1-based): chr3:52,145,909, C>T on the plus strand (G>A on the coding strand, the complement: POC1A is on the minus strand). VCF-style: chr3-52145909-C-T. GRCh37 (hg19) VCF-style: chr3-52179925-C-T.
Other names: c.616G>A, p.Gly206Ser (NM_001161580.2); c.502G>A, p.Gly168Ser (NM_001161581.2); c.616G>A (NM_015426.4); short protein forms G168S, G206S.
Identifiers: ClinVar variation 2153436 (VCV002153436.3), dbSNP rs200751916, ClinGen allele CA2429557.

ClinVar aggregate classification (germline): Uncertain significance. Review status: criteria provided, multiple submitters, no conflicts (2 of 4 stars). 2 submissions from 2 submitters: Uncertain significance (2). Last evaluated 2023-06-07.

Conditions:
Inborn genetic diseases. Identifiers: MedGen C0950123, MeSH D030342.

Allele frequency attached by ClinVar (database versions not stated): TOPMed 0.00008; gnomAD 0.00009; ExAC 0.00012; gnomAD exomes 0.00013.

Submissions (2):

Ambry Genetics
Classification: Uncertain significance for Inborn genetic diseases. Last evaluated: 2023-06-07. Review status: criteria provided, single submitter. Criteria: Ambry Variant Classification Scheme 2023. Collection method: clinical testing. Allele origin: germline.

Labcorp Genetics (formerly Invitae), Labcorp
Classification: Uncertain significance. Last evaluated: 2022-07-25. Review status: criteria provided, single submitter. Criteria: Invitae Variant Classification Sherloc (09022015). Collection method: clinical testing. Allele origin: germline.
Comment: This sequence change replaces glycine, which is neutral and non-polar, with serine, which is neutral and polar, at codon 206 of the POC1A protein (p.Gly206Ser). This variant is present in population databases (rs200751916, gnomAD 0.06%). This variant has not been reported in the literature in individuals affected with POC1A-related conditions. Algorithms developed to predict the effect of missense changes on protein structure and function output the following: SIFT: "Not Available"; PolyPhen-2: "Benign"; Align-GVGD: "Not Available". The serine amino acid residue is found in multiple mammalian species, which suggests that this missense change does not adversely affect protein function. Algorithms developed to predict the effect of sequence changes on RNA splicing suggest that this variant may create or strengthen a splice site. In summary, the available evidence is currently insufficient to determine the role of this variant in disease. Therefore, it has been classified as a Variant of Uncertain Significance.